The following is an entry in ClinVar:

ClinVar aggregate classification (germline): Uncertain significance (1 of 4 stars; one submission).

gnomAD v4.1: 3 of 1,211,728 alleles (0.00025%); highest among the groups gnomAD compares: South Asian, 0.0018%; no homozygotes.

Submission:

GeneDx
Classification: Uncertain significance. Last evaluated: 2025-04-16. Review status: criteria provided, single submitter. Criteria: GeneDx Variant Classification Process June 2021. Collection method: clinical testing. Allele origin: germline. Affected: yes.
Comment: In silico analysis supports that this missense variant has a deleterious effect on protein structure/function; Has not been previously published as pathogenic or benign to our knowledge

NM_153252.5(BRWD3):c.2182G>T (p.Ala728Ser)

Gene: BRWD3 (bromodomain and WD repeat domain containing 3; minus strand). Cytogenetic location: Xq21.1.
Variant type: single nucleotide variant.
Coding change: c.2182G>T on transcript NM_153252.5 (MANE Select); coding-DNA position 2182, G replaced by T.
Protein change: p.Ala728Ser; replaces alanine 728 with serine.
Molecular consequence: missense variant.
Genome position (GRCh38, 1-based): chrX:80,717,622, C>A on the plus strand (G>T on the coding strand, the complement: BRWD3 is on the minus strand). VCF-style: chrX-80717622-C-A. GRCh37 (hg19) VCF-style: chrX-79973121-C-A.
Other names: c.2182G>T, p.Ala728Ser (NM_001441339.1); short protein forms A728S.
Identifiers: ClinVar variation 4282446 (VCV004282446.1).